The following is an entry in ClinVar:

NM_001291415.2(KDM6A):c.660A>T (p.Lys220Asn)

Gene: KDM6A (lysine demethylase 6A; plus strand). Cytogenetic location: Xp11.3.
Variant type: single nucleotide variant.
Coding change: c.660A>T on transcript NM_001291415.2 (MANE Select); coding-DNA position 660, A replaced by T.
Protein change: p.Lys220Asn; replaces lysine 220 with asparagine.
Molecular consequence: missense variant. On other transcripts: 5 prime UTR variant (1), non-coding transcript variant (1).
Genome position (GRCh38, 1-based): chrX:45,051,714, A>T. VCF-style: chrX-45051714-A-T. GRCh37 (hg19) VCF-style: chrX-44910959-A-T.
Other names: c.660A>T, p.Lys220Asn (NM_001291416.2, NM_001291417.2, NM_001291418.2 and 1 more transcripts); c.-94A>T (NM_001291421.2); c.660A>T (NM_021140.2); short protein forms K220N.
Identifiers: ClinVar variation 134601 (VCV000134601.12), dbSNP rs587778423, ClinGen allele CA160306.

ClinVar aggregate classification (germline): Conflicting classifications of pathogenicity. Review status: criteria provided, conflicting classifications (1 of 4 stars). 6 submissions from 6 submitters: Uncertain significance (4); Likely benign (1). 1 of the submissions does not count toward it. Last evaluated 2026-01-27.

Conditions:
KDM6A-related disorder. Also called: KDM6A-related condition.
Inborn genetic diseases. Identifiers: MedGen C0950123, MeSH D030342.
Kabuki syndrome 2 (KABUK2). Also called: KDM6A-Related Kabuki Syndrome. Identifiers: Orphanet 2322, MedGen C3275495, MONDO:0010465, OMIM 300867.
Kabuki syndrome 1 (KABUK1). Also called: KMT2D-Related Kabuki Syndrome. Identifiers: Orphanet 2322, MedGen CN030661, MONDO:0007843, OMIM 147920.

Allele frequency attached by ClinVar (database versions not stated): TOPMed 0.00001.
gnomAD v4.1: 13 of 1,146,599 alleles (0.0011%); highest among the groups gnomAD compares: African/African-American, 0.016%; no homozygotes.

Submissions (6):

PreventionGenetics, part of Exact Sciences
Classification: Likely benign for KDM6A-related condition. Last evaluated: 2026-01-27. Review status: criteria provided, single submitter. Criteria: ACMG Guidelines, 2015. Collection method: clinical testing. Allele origin: germline.
Comment: This variant is classified as likely benign based on ACMG/AMP sequence variant interpretation guidelines (Richards et al. 2015 PMID: 25741868, with internal and published modifications).

Labcorp Genetics (formerly Invitae), Labcorp
Classification: Uncertain significance for Kabuki syndrome 2. Last evaluated: 2026-01-05. Review status: criteria provided, single submitter. Criteria: Invitae Variant Classification Sherloc (09022015). Collection method: clinical testing. Allele origin: germline.
Comment: This sequence change replaces lysine, which is basic and polar, with asparagine, which is neutral and polar, at codon 220 of the KDM6A protein (p.Lys220Asn). This variant is present in population databases (rs587778423, gnomAD 0.004%). This variant has not been reported in the literature in individuals affected with KDM6A-related conditions. ClinVar contains an entry for this variant (Variation ID: 134601). Invitae Evidence Modeling of protein sequence and biophysical properties (such as structural, functional, and spatial information, amino acid conservation, physicochemical variation, residue mobility, and thermodynamic stability) indicates that this missense variant is not expected to disrupt KDM6A protein function with a negative predictive value of 80%. In summary, the available evidence is currently insufficient to determine the role of this variant in disease. Therefore, it has been classified as a Variant of Uncertain Significance.

Victorian Clinical Genetics Services, Murdoch Childrens Research Institute
Classification: Uncertain significance for Kabuki syndrome 2. Last evaluated: 2022-02-02. Review status: criteria provided, single submitter. Criteria: ACMG Guidelines, 2015. Collection method: clinical testing. Allele origin: germline. Inheritance: X-linked dominant inheritance.
Comment: Based on the classification scheme VCGS_Germline_v1.3.4, this variant is classified as VUS-3C. Following criteria are met: 0102 - Loss of function is a known mechanism of disease in this gene and is associated with Kabuki syndrome 2 (MIM#300867). (I) 0110 - This gene is associated with X-linked dominant disease. Heterozygous females can be mildly affected and may have random or skewed X-inactivation (PMID:27302555, OMIM). (I) 0200 - Variant is predicted to result in a missense amino acid change from lysine to asparagine. (I) 0253 - This variant is hemizygous. (I) 0302 - Variant is present in gnomAD (v2, v3) <0.001 for a dominant condition (1 heterozygote, 0 homozygotes, 1 hemizygote). (SP) 0502 - Missense variant with conflicting in silico predictions and uninformative conservation. (I) 0600 - Variant is located in the annotated TPR repeat domain (NCBI, UniProt). (I) 0705 - No comparable missense variants have previous evidence for pathogenicity. (I) 0809 - Previous evidence of pathogenicity for this variant is inconclusive. This variant has been reported as a VUS and observed in a healthy cohort (ClinVar). (I) 0905 - No published segregation evidence has been identified for this variant. (I) 1007 - No published functional evidence has been identified for this variant. (I) Legend: (SP) - Supporting pathogenic, (I) - Information, (SB) - Supporting benign

Ambry Genetics
Classification: Uncertain significance for Inborn genetic diseases. Last evaluated: 2021-08-26. Review status: criteria provided, single submitter. Criteria: Ambry Variant Classification Scheme 2023. Collection method: clinical testing. Allele origin: germline.

Center for Human Genetics, Inc
Classification: Uncertain significance for Kabuki syndrome 1. Last evaluated: 2016-11-01. Review status: criteria provided, single submitter. Criteria: ACMG Guidelines, 2015. Collection method: clinical testing. Allele origin: germline. Affected: yes.

ITMI
No classification provided. Condition: AllHighlyPenetrant. Last evaluated: 2013-09-19. Review status: no classification provided. Collection method: reference population. Allele origin: germline. Not counted in ClinVar's aggregate classification.
Comment: Please see associated publication for description of ethnicities

Literature cited by the submitters: PubMed 27302555 (cited by Victorian Clinical Genetics Services, Murdoch Childrens Research Institute); PubMed 24728327 (cited by ITMI).